The following is an entry in ClinVar:

ClinVar aggregate classification (germline): Uncertain significance (1 of 4 stars; one submission).

Conditions:
Compton-North congenital myopathy (CMYO12). Identifiers: Orphanet 210163, MedGen C2675527, MONDO:0012929, OMIM 612540.

Allele frequency attached by ClinVar (database versions not stated): gnomAD exomes below 0.00001.
gnomAD v4.1: 2 of 1,613,030 alleles (0.00012%); highest among the groups gnomAD compares: Admixed American, 0.0033%; no homozygotes.

Submission:

Labcorp Genetics (formerly Invitae), Labcorp
Classification: Uncertain significance for Compton-North congenital myopathy. Last evaluated: 2022-05-03. Review status: criteria provided, single submitter. Criteria: Invitae Variant Classification Sherloc (09022015). Collection method: clinical testing. Allele origin: germline.
Comment: This sequence change replaces valine, which is neutral and non-polar, with aspartic acid, which is acidic and polar, at codon 7 of the CNTN1 protein (p.Val7Asp). This variant is present in population databases (no rsID available, gnomAD 0.006%). This variant has not been reported in the literature in individuals affected with CNTN1-related conditions. Advanced modeling of protein sequence and biophysical properties (such as structural, functional, and spatial information, amino acid conservation, physicochemical variation, residue mobility, and thermodynamic stability) performed at Invitae indicates that this missense variant is not expected to disrupt CNTN1 protein function. In summary, the available evidence is currently insufficient to determine the role of this variant in disease. Therefore, it has been classified as a Variant of Uncertain Significance.

NM_001843.4(CNTN1):c.20T>A (p.Val7Asp)

Gene: CNTN1 (contactin 1; plus strand). Cytogenetic location: 12q12.
Variant type: single nucleotide variant.
Coding change: c.20T>A on transcript NM_001843.4 (MANE Select); coding-DNA position 20, T replaced by A.
Protein change: p.Val7Asp; replaces valine 7 with aspartic acid.
Molecular consequence: missense variant.
Genome position (GRCh38, 1-based): chr12:40,908,452, T>A. VCF-style: chr12-40908452-T-A. GRCh37 (hg19) VCF-style: chr12-41302254-T-A.
Other names: c.20T>A, p.Val7Asp (NM_001256063.2, NM_001256064.2, NM_175038.2); short protein forms V7D.
Identifiers: ClinVar variation 2428436 (VCV002428436.2), dbSNP rs1236575142, ClinGen allele CA384421329.
Genomic context (GRCh38, chr12:40,908,452, plus strand): 5'-TCTTTTTTGGAAAATTGAACCGAACTTCTACTGAATACAAGATGAAAATGTGGTTGCTGG[T>A]CAGTCATCTTGTGATAATATCTATTACTACCTGTTTAGCAGGTAAGAAATATCCTTTGTA-3'
Protein context (NP_001834.2, residues 1-17): MKMWLL[Val7Asp]SHLVIISITT